The following is an entry in ClinVar:

NM_004706.4(ARHGEF1):c.901C>T (p.Arg301Trp)

Gene: ARHGEF1 (Rho guanine nucleotide exchange factor 1; plus strand). Cytogenetic location: 19q13.2.
Variant type: single nucleotide variant.
Coding change: c.901C>T on transcript NM_004706.4 (MANE Select); coding-DNA position 901, C replaced by T.
Protein change: p.Arg301Trp; replaces arginine 301 with tryptophan.
Molecular consequence: missense variant.
Genome position (GRCh38, 1-based): chr19:41,895,372, C>T. VCF-style: chr19-41895372-C-T. GRCh37 (hg19) VCF-style: chr19-42399445-C-T.
Other names: c.802C>T, p.Arg268Trp (NM_198977.2); c.946C>T, p.Arg316Trp (NM_199002.2); c.946C>T (NM_199002.1); short protein forms R268W, R301W, R316W.
Identifiers: ClinVar variation 1409183 (VCV001409183.10), dbSNP rs147318287, ClinGen allele CA9466112.

ClinVar aggregate classification (germline): Uncertain significance. Review status: criteria provided, multiple submitters, no conflicts (2 of 4 stars). 2 submissions from 2 submitters: Uncertain significance (2). Last evaluated 2025-02-25.

Allele frequency attached by ClinVar (database versions not stated): gnomAD exomes 0.00003; ExAC 0.00005; gnomAD 0.00005 and 0.00006; ESP Exome Variant Server 0.00008; 1000 Genomes Project 30x 0.00016; 1000 Genomes Project 0.00020.
gnomAD v4.1: 52 of 1,611,946 alleles (0.0032%); highest among the groups gnomAD compares: Admixed American, 0.015%; no homozygotes.

Submissions (2):

Labcorp Genetics (formerly Invitae), Labcorp
Classification: Uncertain significance. Last evaluated: 2025-02-25. Review status: criteria provided, single submitter. Criteria: Invitae Variant Classification Sherloc (09022015). Collection method: clinical testing. Allele origin: germline.
Comment: This sequence change replaces arginine, which is basic and polar, with tryptophan, which is neutral and slightly polar, at codon 316 of the ARHGEF1 protein (p.Arg316Trp). This variant is present in population databases (rs147318287, gnomAD 0.005%). This variant has not been reported in the literature in individuals affected with ARHGEF1-related conditions. ClinVar contains an entry for this variant (Variation ID: 1409183). An algorithm developed to predict the effect of missense changes on protein structure and function (PolyPhen-2) suggests that this variant is likely to be disruptive. In summary, the available evidence is currently insufficient to determine the role of this variant in disease. Therefore, it has been classified as a Variant of Uncertain Significance.

Ambry Genetics
Classification: Uncertain significance. Last evaluated: 2024-11-11. Review status: criteria provided, single submitter. Criteria: Ambry Variant Classification Scheme 2023. Collection method: clinical testing. Allele origin: germline.